The following is an entry in ClinVar:

NM_015650.4(TRAF3IP1):c.434G>T (p.Arg145Ile)

Gene: TRAF3IP1 (TRAF3 interacting protein 1; plus strand). Cytogenetic location: 2q37.3.
Variant type: single nucleotide variant.
Coding change: c.434G>T on transcript NM_015650.4 (MANE Select); coding-DNA position 434, G replaced by T.
Protein change: p.Arg145Ile; replaces arginine 145 with isoleucine.
Molecular consequence: missense variant.
Genome position (GRCh38, 1-based): chr2:238,328,765, G>T. VCF-style: chr2-238328765-G-T. GRCh37 (hg19) VCF-style: chr2-239237406-G-T.
Other names: c.434G>T, p.Arg145Ile (NM_001139490.1); short protein forms R145I.
Identifiers: ClinVar variation 1501273 (VCV001501273.6), dbSNP rs763836094, ClinGen allele CA2198061.

ClinVar aggregate classification (germline): Uncertain significance (1 of 4 stars; one submission).

Allele frequency attached by ClinVar (database versions not stated): gnomAD exomes below 0.00001 and 0.00001; ExAC 0.00001; gnomAD 0.00002; TOPMed 0.00004.
gnomAD v4.1: 5 of 1,613,912 alleles (0.00031%); highest among the groups gnomAD compares: African/African-American, 0.0067%; no homozygotes.

Submission:

Labcorp Genetics (formerly Invitae), Labcorp
Classification: Uncertain significance. Last evaluated: 2022-07-06. Review status: criteria provided, single submitter. Criteria: Invitae Variant Classification Sherloc (09022015). Collection method: clinical testing. Allele origin: germline.
Comment: In summary, the available evidence is currently insufficient to determine the role of this variant in disease. Therefore, it has been classified as a Variant of Uncertain Significance. Algorithms developed to predict the effect of missense changes on protein structure and function are either unavailable or do not agree on the potential impact of this missense change (SIFT: "Deleterious"; PolyPhen-2: "Possibly Damaging"; Align-GVGD: "Class C0"). ClinVar contains an entry for this variant (Variation ID: 1501273). This variant has not been reported in the literature in individuals affected with TRAF3IP1-related conditions. This variant is present in population databases (rs763836094, gnomAD 0.02%). This sequence change replaces arginine, which is basic and polar, with isoleucine, which is neutral and non-polar, at codon 145 of the TRAF3IP1 protein (p.Arg145Ile).